The following is an entry in ClinVar:

ClinVar aggregate classification (germline): Uncertain significance (1 of 4 stars; one submission).

Conditions:
Hereditary cancer-predisposing syndrome. Also called: Neoplastic Syndromes, Hereditary; Tumor predisposition; Hereditary neoplastic syndrome; Hereditary Cancer Syndrome. Identifiers: Orphanet 140162, MedGen C0027672, MeSH D009386, MONDO:0015356.

Submission:

Ambry Genetics
Classification: Uncertain significance for Hereditary cancer-predisposing syndrome. Last evaluated: 2026-07-06. Review status: criteria provided, single submitter. Criteria: Ambry Variant Classification Scheme 2023. Collection method: clinical testing. Allele origin: germline.
Comment: The p.Y103H variant (also known as c.307T>C), located in coding exon 3 of the BMPR1A gene, results from a T to C substitution at nucleotide position 307. The tyrosine at codon 103 is replaced by histidine, an amino acid with similar properties. This amino acid position is conserved. In addition, this alteration is predicted to be deleterious by in silico analysis. Based on the available evidence, the clinical significance of this variant remains unclear.

NM_004329.3(BMPR1A):c.307T>C (p.Tyr103His)

Gene: BMPR1A (bone morphogenetic protein receptor type 1A; plus strand). Cytogenetic location: 10q23.2.
Variant type: single nucleotide variant.
Coding change: c.307T>C on transcript NM_004329.3 (MANE Select); coding-DNA position 307, T replaced by C.
Protein change: p.Tyr103His; replaces tyrosine 103 with histidine.
Molecular consequence: missense variant. On other transcripts: non-coding transcript variant (3).
Genome position (GRCh38, 1-based): chr10:86,892,203, T>C. VCF-style: chr10-86892203-T-C. GRCh37 (hg19) VCF-style: chr10-88651960-T-C.
Other names: c.307T>C, p.Tyr103His (NM_001406559.1, NM_001406560.1, NM_001406561.1 and 23 more transcripts); c.223T>C, p.Tyr75His (NM_001406584.1, NM_001406585.1, NM_001406586.1 and 2 more transcripts); short protein forms Y103H, Y75H.
Identifiers: ClinVar variation 5032957 (VCV005032957.1).